The following is an entry in ClinVar:

ClinVar aggregate classification (germline): Uncertain significance (1 of 4 stars; one submission).

Conditions:
Juvenile polyposis syndrome (JPS). Identifiers: Orphanet 2929, MedGen C0345893, MONDO:0017380, OMIM 174900.

Submission:

Labcorp Genetics (formerly Invitae), Labcorp
Classification: Uncertain significance for Juvenile polyposis syndrome. Last evaluated: 2021-10-23. Review status: criteria provided, single submitter. Criteria: Invitae Variant Classification Sherloc (09022015). Collection method: clinical testing. Allele origin: germline.
Comment: This sequence change replaces glutamic acid with aspartic acid at codon 193 of the SMAD4 protein (p.Glu193Asp). The glutamic acid residue is moderately conserved and there is a small physicochemical difference between glutamic acid and aspartic acid. This variant is not present in population databases (ExAC no frequency). This variant has not been reported in the literature in individuals affected with SMAD4-related conditions. Advanced modeling of protein sequence and biophysical properties (such as structural, functional, and spatial information, amino acid conservation, physicochemical variation, residue mobility, and thermodynamic stability) performed at Invitae indicates that this missense variant is not expected to disrupt SMAD4 protein function. In summary, the available evidence is currently insufficient to determine the role of this variant in disease. Therefore, it has been classified as a Variant of Uncertain Significance.

NM_005359.6(SMAD4):c.579G>C (p.Glu193Asp)

Gene: SMAD4 (SMAD family member 4; plus strand). Cytogenetic location: 18q21.2.
Variant type: single nucleotide variant.
Coding change: c.579G>C on transcript NM_005359.6 (MANE Select); coding-DNA position 579, G replaced by C.
Protein change: p.Glu193Asp; replaces glutamic acid 193 with aspartic acid.
Molecular consequence: missense variant.
Genome position (GRCh38, 1-based): chr18:51,054,905, G>C. VCF-style: chr18-51054905-G-C. GRCh37 (hg19) VCF-style: chr18-48581275-G-C.
Other names: short protein forms E193D.
Identifiers: ClinVar variation 1388764 (VCV001388764.1), dbSNP rs2144418968, ClinGen allele CA402461036.